The following is an entry in ClinVar:

ClinVar aggregate classification (germline): Likely benign. Review status: criteria provided, multiple submitters, no conflicts (2 of 4 stars). 6 submissions from 3 submitters: Likely benign (6). Last evaluated 2025-07-29.

Conditions:
Hypokalemic periodic paralysis, type 1. Also called: HypoPP; Hypokalemic Periodic Paralysis Type 1 (AD). Identifiers: Orphanet 681, MedGen C3714580, MONDO:0042979, OMIM 170400.
Thyrotoxic periodic paralysis, susceptibility to, 1 (TTPP1). Identifiers: Orphanet 79102, MedGen C2749982, MONDO:0008570, OMIM 188580.
Malignant hyperthermia, susceptibility to, 5 (MHS5). Also called: CACNA1S-Related Malignant Hyperthermia Susceptibility. Identifiers: Orphanet 423, MedGen C1866077, MONDO:0011163, OMIM 601887.
Congenital myopathy 18. Also called: Myopathy, congenital, due to dihydropyridine receptor defect; DIHYDROPYRIDINE RECEPTOR CONGENITAL MYOPATHY; DHPR CONGENITAL MYOPATHY. Identifiers: MedGen C5830283, MONDO:0859514, OMIM 620246.

Allele frequency attached by ClinVar (database versions not stated): gnomAD 0.00001; gnomAD exomes 0.00002; TOPMed 0.00002; ExAC 0.00003.
gnomAD v4.1: 28 of 1,614,110 alleles (0.0017%); highest among the groups gnomAD compares: Non-Finnish European, 0.0024%; no homozygotes.

Submissions (6):

Labcorp Genetics (formerly Invitae), Labcorp
Classification: Likely benign for Hypokalemic periodic paralysis, type 1; Malignant hyperthermia, susceptibility to, 5. Last evaluated: 2025-07-29. Review status: criteria provided, single submitter. Criteria: Invitae Variant Classification Sherloc (09022015). Collection method: clinical testing. Allele origin: germline.

Genome-Nilou Lab
Classification: Likely benign for Malignant hyperthermia, susceptibility to, 5. Last evaluated: 2023-04-11. Review status: criteria provided, single submitter. Criteria: ACMG Guidelines, 2015. Collection method: clinical testing. Allele origin: germline. Affected: no.

Genome-Nilou Lab
Classification: Likely benign for Thyrotoxic periodic paralysis, susceptibility to, 1. Last evaluated: 2023-04-11. Review status: criteria provided, single submitter. Criteria: ACMG Guidelines, 2015. Collection method: clinical testing. Allele origin: germline. Affected: no.

Genome-Nilou Lab
Classification: Likely benign for Congenital myopathy 18. Last evaluated: 2023-04-11. Review status: criteria provided, single submitter. Criteria: ACMG Guidelines, 2015. Collection method: clinical testing. Allele origin: germline. Affected: no.

Genome-Nilou Lab
Classification: Likely benign for Hypokalemic periodic paralysis, type 1. Last evaluated: 2023-04-11. Review status: criteria provided, single submitter. Criteria: ACMG Guidelines, 2015. Collection method: clinical testing. Allele origin: germline. Affected: no.

GeneDx
Classification: Likely benign. Last evaluated: 2017-02-21. Review status: criteria provided, single submitter. Criteria: GeneDx Variant Classification (06012015). Collection method: clinical testing. Allele origin: germline. Affected: yes.
Comment: This variant is considered likely benign or benign based on one or more of the following criteria: it is a conservative change, it occurs at a poorly conserved position in the protein, it is predicted to be benign by multiple in silico algorithms, and/or has population frequency not consistent with disease.

NM_000069.3(CACNA1S):c.870C>T (p.Thr290=)

Gene: CACNA1S (calcium voltage-gated channel subunit alpha1 S; minus strand). Cytogenetic location: 1q32.1.
Variant type: single nucleotide variant.
Coding change: c.870C>T on transcript NM_000069.3 (MANE Select); coding-DNA position 870, C replaced by T.
Protein change: p.Thr290=; no amino-acid change (threonine 290 retained).
Molecular consequence: synonymous variant.
Genome position (GRCh38, 1-based): chr1:201,089,288, G>A on the plus strand (C>T on the coding strand, the complement: CACNA1S is on the minus strand). VCF-style: chr1-201089288-G-A. GRCh37 (hg19) VCF-style: chr1-201058416-G-A.
Identifiers: ClinVar variation 507557 (VCV000507557.13), dbSNP rs780305979, ClinGen allele CA084026.